The following is an entry in ClinVar:

ClinVar aggregate classification (germline): Pathogenic (1 of 4 stars; one submission).

Conditions:
LAMA2-related muscular dystrophy (LAMA2-RD). Also called: Laminin alpha 2-related dystrophy. Identifiers: MedGen C5679788, MONDO:0100228.

Submission:

Labcorp Genetics (formerly Invitae), Labcorp
Classification: Pathogenic for LAMA2-related muscular dystrophy. Last evaluated: 2023-11-04. Review status: criteria provided, single submitter. Criteria: Invitae Variant Classification Sherloc (09022015). Collection method: clinical testing. Allele origin: germline.
Comment: This sequence change creates a premature translational stop signal (p.Pro3063Argfs*9) in the LAMA2 gene. While this is not anticipated to result in nonsense mediated decay, it is expected to disrupt the last 60 amino acid(s) of the LAMA2 protein. This variant is not present in population databases (gnomAD no frequency). This variant has not been reported in the literature in individuals affected with LAMA2-related conditions. This variant disrupts a region of the LAMA2 protein in which other variant(s) (p.Arg3085*) have been determined to be pathogenic (PMID: 11591858, 34777456). This suggests that this is a clinically significant region of the protein, and that variants that disrupt it are likely to be disease-causing. For these reasons, this variant has been classified as Pathogenic.

Literature cited by the submitters: PubMed 11591858; PubMed 34777456.

NM_000426.4(LAMA2):c.9188_9189del (p.Pro3063fs)

Gene: LAMA2 (laminin subunit alpha 2; plus strand). Cytogenetic location: 6q22.33.
Variant type: Deletion.
Coding change: c.9188_9189del on transcript NM_000426.4 (MANE Select); coding-DNA positions 9188 to 9189, 2 bases deleted (CT; older notation c.9188_9189delCT).
Protein change: p.Pro3063fs; shifts the reading frame from proline 3063.
Molecular consequence: frameshift variant.
Genome position (GRCh38, 1-based): chr6:129,514,572-129,514,573, CT deleted. VCF-style (leftmost placement, unchanged base first): chr6-129514571-CCT-C. GRCh37 (hg19) VCF-style: chr6-129835716-CCT-C.
Other names: c.9176_9177del, p.Pro3059fs (NM_001079823.2); short protein forms P3063fs, P3059fs.
Identifiers: ClinVar variation 2693163 (VCV002693163.3), dbSNP rs2533600037, ClinGen allele CA2697553738.